The following is an entry in ClinVar:

NM_017780.4(CHD7):c.5888G>T (p.Arg1963Leu)

Gene: CHD7 (chromodomain helicase DNA binding protein 7; plus strand). Cytogenetic location: 8q12.2.
Variant type: single nucleotide variant.
Coding change: c.5888G>T on transcript NM_017780.4 (MANE Select); coding-DNA position 5888, G replaced by T.
Protein change: p.Arg1963Leu; replaces arginine 1963 with leucine.
Molecular consequence: missense variant. On other transcripts: intron variant (1).
Genome position (GRCh38, 1-based): chr8:60,852,241, G>T. VCF-style: chr8-60852241-G-T. GRCh37 (hg19) VCF-style: chr8-61764800-G-T.
Other names: c.1717-9988G>T (NM_001316690.1); short protein forms R1963L.
Identifiers: ClinVar variation 2756627 (VCV002756627.3), dbSNP rs550425758, ClinGen allele CA371323486.

ClinVar aggregate classification (germline): Uncertain significance (1 of 4 stars; one submission).

Conditions:
CHARGE syndrome (CHARGE). Also called: Hittner Hirsch Kreh syndrome; CHARGE ASSOCIATION--COLOBOMA, HEART ANOMALY, CHOANAL ATRESIA, RETARDATION, GENITAL AND EAR ANOMALIES; Coloboma, heart anomaly, choanal atresia, retardation, genital and ear anomalies; CHARGE association; Hall-Hittner syndrome. Identifiers: Orphanet 138, MedGen C0265354, MONDO:0008965.

gnomAD v4.1: 1 of 1,611,688 alleles (0.000062%); highest among the groups gnomAD compares: South Asian, 0.0011%; no homozygotes.

Submission:

Labcorp Genetics (formerly Invitae), Labcorp
Classification: Uncertain significance for CHARGE syndrome. Last evaluated: 2023-08-30. Review status: criteria provided, single submitter. Criteria: Invitae Variant Classification Sherloc (09022015). Collection method: clinical testing. Allele origin: germline.
Comment: In summary, the available evidence is currently insufficient to determine the role of this variant in disease. Therefore, it has been classified as a Variant of Uncertain Significance. Advanced modeling of protein sequence and biophysical properties (such as structural, functional, and spatial information, amino acid conservation, physicochemical variation, residue mobility, and thermodynamic stability) performed at Invitae indicates that this missense variant is not expected to disrupt CHD7 protein function. This variant has not been reported in the literature in individuals affected with CHD7-related conditions. This variant is not present in population databases (gnomAD no frequency). This sequence change replaces arginine, which is basic and polar, with leucine, which is neutral and non-polar, at codon 1963 of the CHD7 protein (p.Arg1963Leu).